The following is an entry in ClinVar:

ClinVar aggregate classification (germline): Pathogenic (1 of 4 stars; one submission).

Submission:

Ambry Genetics
Classification: Pathogenic. Last evaluated: 2025-11-12. Review status: criteria provided, single submitter. Criteria: Ambry Variant Classification Scheme 2023. Collection method: clinical testing. Allele origin: germline.
Comment: The c.2101G>T (p.E701*) alteration, located in coding exon 18 of the GIGYF1 gene, consists of a G to T substitution at nucleotide position 2101. This changes the amino acid from a glutamic acid (E) to a stop codon at amino acid position 701. This alteration is expected to result in loss of function by premature protein truncation or nonsense-mediated mRNA decay. This variant was not reported in population-based cohorts in the Genome Aggregation Database (gnomAD). Based on the available evidence, this alteration is classified as pathogenic.

NM_022574.4:c.2101G>T

Gene: GIGYF1 (GRB10 interacting GYF protein 1; minus strand).
Variant type: single nucleotide variant.
Identifiers: ClinVar variation 4671839 (VCV004671839.1).